The following is an entry in ClinVar:

NM_000719.7(CACNA1C):c.1453G>A (p.Glu485Lys)

Gene: CACNA1C (calcium voltage-gated channel subunit alpha1 C; plus strand). Cytogenetic location: 12p13.33.
Variant type: single nucleotide variant.
Coding change: c.1453G>A on transcript NM_000719.7 (MANE Select); coding-DNA position 1453, G replaced by A.
Protein change: p.Glu485Lys; replaces glutamic acid 485 with lysine.
Molecular consequence: missense variant.
Genome position (GRCh38, 1-based): chr12:2,550,005, G>A. VCF-style: chr12-2550005-G-A. GRCh37 (hg19) VCF-style: chr12-2659171-G-A.
Other names: c.1453G>A, p.Glu485Lys (NM_001129827.2, NM_001129829.2, NM_001129830.3 and 18 more transcripts); c.1444G>A, p.Glu482Lys (NM_001129844.2); short protein forms E485K, E482K.
Identifiers: ClinVar variation 190637 (VCV000190637.13), dbSNP rs763065970, ClinGen allele CA301268.
Genomic context (GRCh38, chr12:2,550,005, plus strand): 5'-AGCATGCCCACCAGTGAGACCGAGTCCGTCAACACCGAAAACGTGGCTGGAGGTGACATC[G>A]AGGGAGAAAACTGCGGGGCCAGGCTGGCGTGAGTAGGCACGGCGAGCCCAGGGGCTGGGG-3'
Protein context (NP_000710.5, residues 475-495): NTENVAGGDI[Glu485Lys]GENCGARLAH

ClinVar aggregate classification (germline): Conflicting classifications of pathogenicity. Review status: criteria provided, conflicting classifications (1 of 4 stars). 3 submissions from 3 submitters: Uncertain significance (2); Likely benign (1). Last evaluated 2025-03-03.

Conditions:
Cardiovascular phenotype. Identifiers: MedGen CN230736.
Long QT syndrome (LQTS). Identifiers: MedGen C0023976, MeSH D008133, MONDO:0002442. Disease mechanism: loss of function. Inheritance: Various modes of inheritance.

Allele frequency attached by ClinVar (database versions not stated): TOPMed below 0.00001; ExAC 0.00001; gnomAD exomes 0.00001.
gnomAD v4.1: 11 of 1,607,718 alleles (0.00068%); highest among the groups gnomAD compares: Admixed American, 0.0084%; no homozygotes.

Submissions (3):

Labcorp Genetics (formerly Invitae), Labcorp
Classification: Likely benign for Long QT syndrome. Last evaluated: 2025-03-03. Review status: criteria provided, single submitter. Criteria: Invitae Variant Classification Sherloc (09022015). Collection method: clinical testing. Allele origin: germline.

Ambry Genetics
Classification: Uncertain significance for Cardiovascular phenotype. Last evaluated: 2023-09-27. Review status: criteria provided, single submitter. Criteria: Ambry Variant Classification Scheme 2023. Collection method: clinical testing. Allele origin: germline.
Comment: The p.E485K variant (also known as c.1453G>A), located in coding exon 10 of the CACNA1C gene, results from a G to A substitution at nucleotide position 1453. The glutamic acid at codon 485 is replaced by lysine, an amino acid with similar properties. According to data from gnomAD, the frequency for this variant is above the maximum credible frequency for a cardiac disease-causing variant in this gene based on internally established thresholds (Karczewski et al. Nature. 2020 May;581(7809):434-443; Whiffin et al. Genet Med. 2017 10;19:1151-1158). This amino acid position is highly conserved in available vertebrate species. In addition, this alteration is predicted to be deleterious by in silico analysis. Based on the supporting evidence, the association of this alteration with CACNA1C-related neurodevelopmental disorder is unknown; however, the association with CACNA1C-related long QT syndrome or Timothy syndrome is unlikely.

GeneDx
Classification: Uncertain significance. Last evaluated: 2018-02-02. Review status: criteria provided, single submitter. Criteria: GeneDx Variant Classification (06012015). Collection method: clinical testing. Allele origin: germline. Affected: yes.
Comment: The E485K variant has not been published as a pathogenic variant, nor has it been reported as a benign variant to our knowledge. The E485K variant was not observed in approximately 6,200 individuals of European and African American ancestry in the NHLBI Exome Sequencing Project, indicating it is not a common benign variant in these populations. Additionally, the E485K variant is a non-conservative amino acid substitution, which is likely to impact secondary protein structure as these residues differ in polarity, charge, size and/or other properties. Furthermore, this substitution occurs at a position that is conserved across species. Nevertheless, in silico analysis is inconsistent in its predictions as to whether or not the variant is damaging to the protein structure/function. Therefore, based on the currently available information, it is unclear whether this variant is pathogenic or rare benign.